The following is an entry in ClinVar:

NM_000377.3(WAS):c.1187C>G (p.Pro396Arg)

Gene: WAS (WASP actin nucleation promoting factor; plus strand). Cytogenetic location: Xp11.23.
Variant type: single nucleotide variant.
Coding change: c.1187C>G on transcript NM_000377.3 (MANE Select); coding-DNA position 1187, C replaced by G.
Protein change: p.Pro396Arg; replaces proline 396 with arginine.
Molecular consequence: missense variant.
Genome position (GRCh38, 1-based): chrX:48,688,915, C>G. VCF-style: chrX-48688915-C-G. GRCh37 (hg19) VCF-style: chrX-48547304-C-G.
Other names: c.1031C>G, p.Pro344Arg (NM_001438876.1, NM_001438878.1); c.1187C>G, p.Pro396Arg (NM_001438877.1, NM_001438879.1); short protein forms P396R, P344R.
Identifiers: ClinVar variation 4788979 (VCV004788979.1).

ClinVar aggregate classification (germline): Uncertain significance (1 of 4 stars; one submission).

Conditions:
Thrombocytopenia 1. Also called: THROMBOCYTOPENIA, X-LINKED, 1; X-Linked Thrombocytopenia (XLT); X-linked thrombocytopenia with normal platelets. Identifiers: Orphanet 268322, Orphanet 852, MedGen C1839163, MONDO:0010743, OMIM 313900.
Wiskott-Aldrich syndrome (WAS). Also called: ALDRICH SYNDROME; IMMUNODEFICIENCY 2; WISKOTT-ALDRICH SYNDROME 1; Wiskott-aldrich syndrome, somatic. Identifiers: Orphanet 906, MedGen C0043194, MONDO:0010518, OMIM 301000.
X-linked severe congenital neutropenia (SCNX). Identifiers: Orphanet 86788, MedGen C1845987, MONDO:0010294, OMIM 300299.

Submission:

Labcorp Genetics (formerly Invitae), Labcorp
Classification: Uncertain significance for Wiskott-Aldrich syndrome; X-linked severe congenital neutropenia; Thrombocytopenia 1. Last evaluated: 2026-01-14. Review status: criteria provided, single submitter. Criteria: Invitae Variant Classification Sherloc (09022015). Collection method: clinical testing. Allele origin: germline.
Comment: This sequence change replaces proline, which is neutral and non-polar, with arginine, which is basic and polar, at codon 396 of the WAS protein (p.Pro396Arg). This variant is not present in population databases (gnomAD no frequency). This variant has not been reported in the literature in individuals affected with WAS-related conditions. Invitae Evidence Modeling of protein sequence and biophysical properties (such as structural, functional, and spatial information, amino acid conservation, physicochemical variation, residue mobility, and thermodynamic stability) indicates that this missense variant is not expected to disrupt WAS protein function with a negative predictive value of 80%. In summary, the available evidence is currently insufficient to determine the role of this variant in disease. Therefore, it has been classified as a Variant of Uncertain Significance.